The following is an entry in ClinVar:

ClinVar aggregate classification (germline): Uncertain significance (1 of 4 stars; one submission).

Allele frequency attached by ClinVar (database versions not stated): gnomAD exomes below 0.00001.

Submission:

Labcorp Genetics (formerly Invitae), Labcorp
Classification: Uncertain significance. Last evaluated: 2025-04-07. Review status: criteria provided, single submitter. Criteria: Invitae Variant Classification Sherloc (09022015). Collection method: clinical testing. Allele origin: germline.
Comment: This sequence change replaces valine, which is neutral and non-polar, with isoleucine, which is neutral and non-polar, at codon 42 of the TFRC protein (p.Val42Ile). This variant is not present in population databases (gnomAD no frequency). This variant has not been reported in the literature in individuals affected with TFRC-related conditions. ClinVar contains an entry for this variant (Variation ID: 1047026). An algorithm developed to predict the effect of missense changes on protein structure and function (PolyPhen-2) suggests that this variant is likely to be tolerated. In summary, the available evidence is currently insufficient to determine the role of this variant in disease. Therefore, it has been classified as a Variant of Uncertain Significance.

NM_001128148.3(TFRC):c.124G>A (p.Val42Ile)

Gene: TFRC (transferrin receptor; minus strand). Cytogenetic location: 3q29.
Variant type: single nucleotide variant.
Coding change: c.124G>A on transcript NM_001128148.3 (MANE Select); coding-DNA position 124, G replaced by A.
Protein change: p.Val42Ile; replaces valine 42 with isoleucine.
Molecular consequence: missense variant. On other transcripts: intron variant (2).
Genome position (GRCh38, 1-based): chr3:196,075,273, C>T on the plus strand (G>A on the coding strand, the complement: TFRC is on the minus strand). VCF-style: chr3-196075273-C-T. GRCh37 (hg19) VCF-style: chr3-195802144-C-T.
Other names: c.124G>A, p.Val42Ile (NM_003234.4); c.-413+1791G>A (NM_001313966.2); c.-5-1148G>A (NM_001313965.2); short protein forms V42I.
Identifiers: ClinVar variation 1047026 (VCV001047026.5), dbSNP rs1718586256, ClinGen allele CA355579393.